The following is an entry in ClinVar:

NM_001206927.2(DNAH8):c.8390A>G (p.Asn2797Ser)

Gene: DNAH8 (dynein axonemal heavy chain 8; plus strand). Cytogenetic location: 6p21.2.
Variant type: single nucleotide variant.
Coding change: c.8390A>G on transcript NM_001206927.2 (MANE Select); coding-DNA position 8390, A replaced by G.
Protein change: p.Asn2797Ser; replaces asparagine 2797 with serine.
Molecular consequence: missense variant.
Genome position (GRCh38, 1-based): chr6:38,886,921, A>G. VCF-style: chr6-38886921-A-G. GRCh37 (hg19) VCF-style: chr6-38854697-A-G.
Other names: c.7739A>G, p.Asn2580Ser (NM_001371.4); short protein forms N2580S, N2797S.
Identifiers: ClinVar variation 2069807 (VCV002069807.1), dbSNP rs781208495, ClinGen allele CA3790174.

ClinVar aggregate classification (germline): Uncertain significance (1 of 4 stars; one submission).

Conditions:
Primary ciliary dyskinesia. Also called: Ciliary dyskinesia. Identifiers: Orphanet 244, MedGen C0008780, MONDO:0016575, HP:0012265.

Allele frequency attached by ClinVar (database versions not stated): ExAC 0.00003; TOPMed 0.00003; gnomAD 0.00005.
gnomAD v4.1: 106 of 1,613,956 alleles (0.0066%); highest among the groups gnomAD compares: Middle Eastern, 0.016%; no homozygotes.

Submission:

Labcorp Genetics (formerly Invitae), Labcorp
Classification: Uncertain significance for Primary ciliary dyskinesia. Last evaluated: 2022-08-09. Review status: criteria provided, single submitter. Criteria: Invitae Variant Classification Sherloc (09022015). Collection method: clinical testing. Allele origin: germline.
Comment: This sequence change replaces asparagine, which is neutral and polar, with serine, which is neutral and polar, at codon 2797 of the DNAH8 protein (p.Asn2797Ser). This variant is present in population databases (rs781208495, gnomAD 0.01%). This variant has not been reported in the literature in individuals affected with DNAH8-related conditions. Algorithms developed to predict the effect of missense changes on protein structure and function are either unavailable or do not agree on the potential impact of this missense change (SIFT: "Deleterious"; PolyPhen-2: "Not Available"; Align-GVGD: "Class C0"). In summary, the available evidence is currently insufficient to determine the role of this variant in disease. Therefore, it has been classified as a Variant of Uncertain Significance.